The following is an entry in ClinVar:

ClinVar aggregate classification (germline): Pathogenic (1 of 4 stars; one submission).

Submission:

CeGaT Center for Human Genetics Tuebingen
Classification: Pathogenic. Last evaluated: 2023-08-01. Review status: criteria provided, single submitter. Criteria: CeGaT Center For Human Genetics Tuebingen Variant Classification Criteria Version 2. Collection method: clinical testing. Allele origin: germline. Affected: yes. Observed: 1 variant allele.
Comment: ZBTB20: PS2, PM2, PM5, PP2, PP3, PS4:Supporting

NM_001348800.3(ZBTB20):c.1832G>A (p.Cys611Tyr)

Gene: ZBTB20 (zinc finger and BTB domain containing 20; minus strand). Cytogenetic location: 3q13.31.
Variant type: single nucleotide variant.
Coding change: c.1832G>A on transcript NM_001348800.3 (MANE Select); coding-DNA position 1832, G replaced by A.
Protein change: p.Cys611Tyr; replaces cysteine 611 with tyrosine.
Molecular consequence: missense variant. On other transcripts: non-coding transcript variant (1).
Genome position (GRCh38, 1-based): chr3:114,339,399, C>T on the plus strand (G>A on the coding strand, the complement: ZBTB20 is on the minus strand). VCF-style: chr3-114339399-C-T. GRCh37 (hg19) VCF-style: chr3-114058246-C-T.
Other names: c.1832G>A, p.Cys611Tyr (NM_001164342.2, NM_001348803.3, NM_001393393.1 and 1 more transcripts); c.1613G>A, p.Cys538Tyr (NM_001164343.2, NM_001164344.4, NM_001164345.4 and 9 more transcripts); short protein forms C538Y, C611Y.
Identifiers: ClinVar variation 2578946 (VCV002578946.25), dbSNP rs2550439129, ClinGen allele CA354001702.